The following is an entry in ClinVar:

NM_005618.4(DLL1):c.776G>T (p.Arg259Leu)

Gene: DLL1 (delta like canonical Notch ligand 1; minus strand). Cytogenetic location: 6q27.
Variant type: single nucleotide variant.
Coding change: c.776G>T on transcript NM_005618.4 (MANE Select); coding-DNA position 776, G replaced by T.
Protein change: p.Arg259Leu; replaces arginine 259 with leucine.
Molecular consequence: missense variant.
Genome position (GRCh38, 1-based): chr6:170,285,655, C>A on the plus strand (G>T on the coding strand, the complement: DLL1 is on the minus strand). VCF-style: chr6-170285655-C-A. GRCh37 (hg19) VCF-style: chr6-170594743-C-A.
Other names: short protein forms R259L.
Identifiers: ClinVar variation 2769079 (VCV002769079.3), dbSNP rs149768426, ClinGen allele CA366508779.

ClinVar aggregate classification (germline): Uncertain significance (1 of 4 stars; one submission).

Submission:

Labcorp Genetics (formerly Invitae), Labcorp
Classification: Uncertain significance. Last evaluated: 2023-10-16. Review status: criteria provided, single submitter. Criteria: Invitae Variant Classification Sherloc (09022015). Collection method: clinical testing. Allele origin: germline.
Comment: This sequence change replaces arginine, which is basic and polar, with leucine, which is neutral and non-polar, at codon 259 of the DLL1 protein (p.Arg259Leu). This variant is not present in population databases (gnomAD no frequency). This variant has not been reported in the literature in individuals affected with DLL1-related conditions. An algorithm developed to predict the effect of missense changes on protein structure and function (PolyPhen-2) suggests that this variant is likely to be tolerated. Algorithms developed to predict the effect of sequence changes on RNA splicing suggest that this variant may create or strengthen a splice site. In summary, the available evidence is currently insufficient to determine the role of this variant in disease. Therefore, it has been classified as a Variant of Uncertain Significance.